The following is an entry in ClinVar:

ClinVar aggregate classification (germline): Uncertain significance. Review status: criteria provided, multiple submitters, no conflicts (2 of 4 stars). 5 submissions from 5 submitters: Uncertain significance (5). Last evaluated 2026-07-17.

Conditions:
MYO7A-related disorder. Also called: MYO7A-related disorders.

Allele frequency attached by ClinVar (database versions not stated): TOPMed below 0.00001; gnomAD exomes 0.00002; ExAC 0.00003.

Submissions (5):

PreventionGenetics, part of Exact Sciences
Classification: Uncertain significance for MYO7A-related condition. Last evaluated: 2026-07-17. Review status: criteria provided, single submitter. Criteria: ACMG Guidelines, 2015. Collection method: clinical testing. Allele origin: germline.
Comment: The MYO7A c.1709G>A variant is predicted to result in the amino acid substitution p.Arg570Gln. This variant was reported along with a second variant in MYO7A in an individual with hearing loss (Table S5, Wu et al. 2022. PubMed ID: 35982127). This variant is reported in 0.0035% of alleles in individuals of European (Non-Finnish) descent in gnomAD. At this time, the clinical significance of this variant is uncertain due to the absence of conclusive functional and genetic evidence.

Women's Health and Genetics/Laboratory Corporation of America, LabCorp
Classification: Uncertain significance. Last evaluated: 2023-08-10. Review status: criteria provided, single submitter. Criteria: LabCorp Variant Classification Summary - May 2015. Collection method: clinical testing. Allele origin: germline.
Comment: Variant summary: MYO7A c.1709G>A (p.Arg570Gln) results in a conservative amino acid change located in the Myosin head, motor domain (IPR001609) of the encoded protein sequence. Four of five in-silico tools predict a damaging effect of the variant on protein function. The variant allele was found at a frequency of 2.4e-05 in 248874 control chromosomes. The available data on variant occurrences in the general population are insufficient to allow any conclusion about variant significance. c.1709G>A has been reported in the literature as a presumed compound heterozygous genotype in at-least one individual affected with severe hearing loss (example, Wu_2022). These data do not allow any conclusion about variant significance. To our knowledge, no experimental evidence demonstrating an impact on protein function has been reported. The following publication has been ascertained in the context of this evaluation (PMID: 35982127). One submitter has cited clinical-significance assessments for this variant to ClinVar after 2014 and has classified the variant as uncertain significance. Based on the evidence outlined above, the variant was classified as uncertain significance.

GeneDx
Classification: Uncertain significance. Last evaluated: 2023-02-03. Review status: criteria provided, single submitter. Criteria: GeneDx Variant Classification Process June 2021. Collection method: clinical testing. Allele origin: germline. Affected: yes.
Comment: In silico analysis supports that this missense variant has a deleterious effect on protein structure/function; Has not been previously published as pathogenic or benign to our knowledge

Blueprint Genetics
Classification: Uncertain significance. Last evaluated: 2023-01-10. Review status: criteria provided, single submitter. Criteria: ACMG Guidelines, 2015. Collection method: clinical testing. Allele origin: germline.

Labcorp Genetics (formerly Invitae), Labcorp
Classification: Uncertain significance. Last evaluated: 2022-10-17. Review status: criteria provided, single submitter. Criteria: Invitae Variant Classification Sherloc (09022015). Collection method: clinical testing. Allele origin: germline.
Comment: This sequence change replaces arginine, which is basic and polar, with glutamine, which is neutral and polar, at codon 570 of the MYO7A protein (p.Arg570Gln). This variant is present in population databases (rs782509064, gnomAD 0.004%). This variant has not been reported in the literature in individuals affected with MYO7A-related conditions. Advanced modeling of protein sequence and biophysical properties (such as structural, functional, and spatial information, amino acid conservation, physicochemical variation, residue mobility, and thermodynamic stability) performed at Invitae indicates that this missense variant is not expected to disrupt MYO7A protein function. In summary, the available evidence is currently insufficient to determine the role of this variant in disease. Therefore, it has been classified as a Variant of Uncertain Significance.

Literature cited by the submitters: PubMed 35982127 (cited by Women's Health and Genetics/Laboratory Corporation of America, LabCorp).

NM_000260.4(MYO7A):c.1709G>A (p.Arg570Gln)

Gene: MYO7A (myosin VIIA; plus strand). Cytogenetic location: 11q13.5.
Variant type: single nucleotide variant.
Coding change: c.1709G>A on transcript NM_000260.4 (MANE Select); coding-DNA position 1709, G replaced by A.
Protein change: p.Arg570Gln; replaces arginine 570 with glutamine.
Molecular consequence: missense variant.
Genome position (GRCh38, 1-based): chr11:77,166,074, G>A. VCF-style: chr11-77166074-G-A. GRCh37 (hg19) VCF-style: chr11-76877120-G-A.
Other names: c.1709G>A (NM_000260.3); c.1709G>A, p.Arg570Gln (NM_001127180.2); c.1676G>A, p.Arg559Gln (NM_001369365.1); short protein forms R559Q, R570Q.
Identifiers: ClinVar variation 2415798 (VCV002415798.6), dbSNP rs782509064, ClinGen allele CA6197574.
Genomic context (GRCh38, chr11:77,166,074, plus strand): 5'-TGCCAGAGCTGGTGAGAGGTGACTGCTGTTTGCTGCTTGCAGGCTTCCTGGAGAAGAACC[G>A]AGACACCCTGCATGGGGACATTATCCAGCTGGTCCACTCCTCCAGGAACAAGTTCATCAA-3'
Protein context (NP_000251.3, residues 560-580): YETQGFLEKN[Arg570Gln]DTLHGDIIQL